The following is an entry in ClinVar:

NM_024915.4(GRHL2):c.843C>T (p.Ser281=)

Gene: GRHL2 (grainyhead like transcription factor 2; plus strand). Cytogenetic location: 8q22.3.
Variant type: single nucleotide variant.
Coding change: c.843C>T on transcript NM_024915.4 (MANE Select); coding-DNA position 843, C replaced by T.
Protein change: p.Ser281=; no amino-acid change (serine 281 retained).
Molecular consequence: synonymous variant.
Genome position (GRCh38, 1-based): chr8:101,573,776, C>T. VCF-style: chr8-101573776-C-T. GRCh37 (hg19) VCF-style: chr8-102586004-C-T.
Other names: c.795C>T, p.Ser265= (NM_001330593.2, NM_001440448.1); c.843C>T, p.Ser281= (NM_001440447.1).
Identifiers: ClinVar variation 4980681 (VCV004980681.1).

ClinVar aggregate classification (germline): Likely benign (1 of 4 stars; one submission).

Conditions:
GRHL2-related disorder. Also called: GRHL2-related disorders; GRHL2-related condition.

gnomAD v4.1: 41 of 1,614,008 alleles (0.0025%); highest among the groups gnomAD compares: African/African-American, 0.0093%; no homozygotes.

Submission:

PreventionGenetics, part of Exact Sciences
Classification: Likely benign for GRHL2-related condition. Last evaluated: 2025-12-13. Review status: criteria provided, single submitter. Criteria: ACMG Guidelines, 2015. Collection method: clinical testing. Allele origin: germline.
Comment: This variant is classified as likely benign based on ACMG/AMP sequence variant interpretation guidelines (Richards et al. 2015 PMID: 25741868, with internal and published modifications).